The following is an entry in ClinVar:

NM_001101362.3(KBTBD13):c.954C>G (p.Thr318=)

Gene: KBTBD13 (kelch repeat and BTB domain containing 13; plus strand). Cytogenetic location: 15q22.31.
Variant type: single nucleotide variant.
Coding change: c.954C>G on transcript NM_001101362.3 (MANE Select); coding-DNA position 954, C replaced by G.
Protein change: p.Thr318=; no amino-acid change (threonine 318 retained).
Molecular consequence: synonymous variant.
Genome position (GRCh38, 1-based): chr15:65,077,769, C>G. VCF-style: chr15-65077769-C-G. GRCh37 (hg19) VCF-style: chr15-65370107-C-G.
Other names: p.Thr318=.
Identifiers: ClinVar variation 129312 (VCV000129312.45), dbSNP rs368781046, ClinGen allele CA153252.
Genomic context (GRCh38, chr15:65,077,769, plus strand): 5'-GCCCTGCGCCCAGGCTTGTGGCCGTCTCTTCGTGTGCCTGTGGCGGCCGGCCGACACCAC[C>G]GCCGTGGTGGAGTACGCAGTGCGGACCGACGCGTGGCTGCCAGTGGCCGAGCTGCGGCGT-3'
Protein context (NP_001094832.1, residues 308-328): FVCLWRPADT[Thr318=]AVVEYAVRTD

ClinVar aggregate classification (germline): Benign/Likely benign. Review status: criteria provided, multiple submitters, no conflicts (2 of 4 stars). 9 submissions from 9 submitters: Benign (7); Likely benign (1). 1 of the submissions does not count toward it. Last evaluated 2026-09-01.

Conditions:
KBTBD13-related disorder. Also called: KBTBD13-related condition.
Nemaline myopathy 6 (NEM6). Also called: Nemaline myopathy 6, autosomal dominant. Identifiers: Orphanet 171439, MedGen C1836472, MONDO:0012237, OMIM 609273.

Allele frequency attached by ClinVar (database versions not stated): ESP Exome Variant Server 0.00106; gnomAD 0.00246; 1000 Genomes Project 30x 0.00328; 1000 Genomes Project 0.00419; TOPMed 0.00443.

Submissions (9):

CeGaT Center for Human Genetics Tuebingen
Classification: Likely benign. Last evaluated: 2026-09-01. Review status: criteria provided, single submitter. Criteria: CeGaT Center For Human Genetics Tuebingen Variant Classification Criteria Version 2. Collection method: clinical testing. Allele origin: germline. Affected: yes. Observed: 8 variant alleles.
Comment: KBTBD13: BP4, BP7, BS2

Labcorp Genetics (formerly Invitae), Labcorp
Classification: Benign for Nemaline myopathy 6. Last evaluated: 2026-02-01. Review status: criteria provided, single submitter. Criteria: Invitae Variant Classification Sherloc (09022015). Collection method: clinical testing. Allele origin: germline.

Mayo Clinic Laboratories, Mayo Clinic
Classification: Benign. Last evaluated: 2024-07-30. Review status: criteria provided, single submitter. Criteria: ACMG Guidelines, 2015. Collection method: clinical testing. Allele origin: germline. Observed: 5 variant alleles.

Genetic Services Laboratory, University of Chicago
Classification: Benign. Last evaluated: 2018-04-20. Review status: criteria provided, single submitter. Criteria: ACMG Guidelines, 2015. Collection method: clinical testing. Allele origin: germline. Affected: no.

Illumina Laboratory Services, Illumina
Classification: Benign for Nemaline myopathy 6. Last evaluated: 2018-01-13. Review status: criteria provided, single submitter. Criteria: ICSL Variant Classification Criteria 13 December 2019. Collection method: clinical testing. Allele origin: germline.
Comment: This variant was observed in the ICSL laboratory as part of a predisposition screen in an ostensibly healthy population. It had not been previously curated by ICSL or reported in the Human Gene Mutation Database (HGMD: prior to June 1st, 2018), and was therefore a candidate for classification through an automated scoring system. Utilizing variant allele frequency, disease prevalence and penetrance estimates, and inheritance mode, an automated score was calculated to assess if this variant is too frequent to cause the disease. Based on the score and internal cut-off values, a variant classified as benign is not then subjected to further curation. The score for this variant resulted in a classification of benign for this disease.

Athena Diagnostics
Classification: Benign. Last evaluated: 2016-08-30. Review status: criteria provided, single submitter. Criteria: Athena Diagnostics Criteria. Collection method: clinical testing. Allele origin: germline.

GeneDx
Classification: Benign. Last evaluated: 2016-06-23. Review status: criteria provided, single submitter. Criteria: GeneDx Variant Classification (06012015). Collection method: clinical testing. Allele origin: germline. Affected: yes.
Comment: This variant is considered likely benign or benign based on one or more of the following criteria: it is a conservative change, it occurs at a poorly conserved position in the protein, it is predicted to be benign by multiple in silico algorithms, and/or has population frequency not consistent with disease.

Breakthrough Genomics
Classification: Benign. Review status: criteria provided, single submitter. Criteria: ACMG Guidelines, 2015. Collection method: not provided. Allele origin: germline. Inheritance: Autosomal dominant inheritance. Affected: yes.

PreventionGenetics, part of Exact Sciences
Classification: Benign for KBTBD13-related condition. Last evaluated: 2020-03-30. Review status: no assertion criteria provided. Collection method: clinical testing. Allele origin: germline. Not counted in ClinVar's aggregate classification.
Comment: This variant is classified as benign based on ACMG/AMP sequence variant interpretation guidelines (Richards et al. 2015 PMID: 25741868, with internal and published modifications).